The following is an entry in ClinVar:

ClinVar aggregate classification (germline): Uncertain significance (1 of 4 stars; one submission).

Submission:

GeneDx
Classification: Uncertain significance. Last evaluated: 2024-08-27. Review status: criteria provided, single submitter. Criteria: GeneDx Variant Classification Process June 2021. Collection method: clinical testing. Allele origin: germline. Affected: yes.
Comment: Not observed at significant frequency in large population cohorts (gnomAD); In silico analysis supports a deleterious effect on protein structure/function; Has not been previously published as pathogenic or benign to our knowledge

NM_001378418.1(TCF20):c.103_104delinsTA (p.Ala35Tyr)

Gene: TCF20 (transcription factor 20; minus strand). Cytogenetic location: 22q13.2.
Variant type: Indel.
Coding change: c.103_104delinsTA on transcript NM_001378418.1 (MANE Select); coding-DNA positions 103 to 104, GC replaced by TA.
Protein change: p.Ala35Tyr; replaces alanine 35 with tyrosine.
Molecular consequence: missense variant.
Genome position (GRCh38, 1-based): chr22:42,215,202-42,215,203, GC replaced by TA on the plus strand (GC replaced by TA on the coding strand, the reverse complement: TCF20 is on the minus strand). VCF-style: chr22-42215202-GC-TA. GRCh37 (hg19) VCF-style: chr22-42611208-GC-TA.
Other names: c.103_104delinsTA, p.Ala35Tyr (NM_005650.4, NM_181492.3); short protein forms A35Y.
Identifiers: ClinVar variation 3766328 (VCV003766328.1).
Genomic context (GRCh38, chr22:42,215,202, plus strand): 5'-CTGCCACTGCCACTGCTGCCACTACTGCCACCTGTACCTCCAAAATTCTGGAACATCTGG[GC>TA]CTGACGAGGGCTGAACTCTTCTAGCCGGGATGAGCCGTGTACCTCCTGTGGGTAGCTTTG-3'
Protein context (NP_001365347.1, residues 25-45): SRLEEFSPRQ[Ala35Tyr]QMFQNFGGTG